The following is an entry in ClinVar:

NM_016492.5(RANGRF):c.173T>A (p.Val58Glu)

Genes: RANGRF (RAN guanine nucleotide release factor; plus strand), SLC25A35 (solute carrier family 25 member 35; minus strand). Cytogenetic location: 17p13.1.
Variant type: single nucleotide variant.
Coding change: c.173T>A on transcript NM_016492.5 (MANE Select); coding-DNA position 173, T replaced by A.
Protein change: p.Val58Glu; replaces valine 58 with glutamic acid.
Molecular consequence: missense variant. On other transcripts: 3 prime UTR variant (2), non-coding transcript variant (2), intron variant (1).
Genome position (GRCh38, 1-based): chr17:8,289,051, T>A. VCF-style: chr17-8289051-T-A. GRCh37 (hg19) VCF-style: chr17-8192369-T-A.
Other names: c.173T>A, p.Val58Glu (NM_001177801.2, NM_001177802.2, NM_001330127.2); c.*432A>T (NM_001320872.2); c.*565A>T (NM_201520.3); c.*42+523A>T (NM_001320871.2); short protein forms V58E.
Identifiers: ClinVar variation 2721486 (VCV002721486.3), dbSNP rs1235670894, ClinGen allele CA397994386.

ClinVar aggregate classification (germline): Uncertain significance (1 of 4 stars; one submission).

Conditions:
Cardiac arrhythmia. Also called: Arrhythmia; Cardiac rhythm disease. Identifiers: MedGen C0003811, MONDO:0007263, HP:0011675.

Allele frequency attached by ClinVar (database versions not stated): TOPMed 0.00001.
gnomAD v4.1: 1 of 1,613,766 alleles (0.000062%); highest among the groups gnomAD compares: Non-Finnish European, 0.000085%; no homozygotes.

Submission:

Labcorp Genetics (formerly Invitae), Labcorp
Classification: Uncertain significance for Cardiac arrhythmia. Last evaluated: 2023-05-07. Review status: criteria provided, single submitter. Criteria: Invitae Variant Classification Sherloc (09022015). Collection method: clinical testing. Allele origin: germline.
Comment: This sequence change replaces valine, which is neutral and non-polar, with glutamic acid, which is acidic and polar, at codon 58 of the RANGRF protein (p.Val58Glu). This variant is present in population databases (no rsID available, gnomAD 0.007%). In summary, the available evidence is currently insufficient to determine the role of this variant in disease. Therefore, it has been classified as a Variant of Uncertain Significance. Algorithms developed to predict the effect of sequence changes on RNA splicing suggest that this variant may disrupt the consensus splice site. An algorithm developed to predict the effect of missense changes on protein structure and function (PolyPhen-2) suggests that this variant is likely to be disruptive. This variant has not been reported in the literature in individuals affected with RANGRF-related conditions.